The following is an entry in ClinVar:

ClinVar aggregate classification (germline): Uncertain significance (1 of 4 stars; one submission).

Submission:

Labcorp Genetics (formerly Invitae), Labcorp
Classification: Uncertain significance. Last evaluated: 2021-12-26. Review status: criteria provided, single submitter. Criteria: Invitae Variant Classification Sherloc (09022015). Collection method: clinical testing. Allele origin: germline.
Comment: In summary, the available evidence is currently insufficient to determine the role of this variant in disease. Therefore, it has been classified as a Variant of Uncertain Significance. Algorithms developed to predict the effect of missense changes on protein structure and function are either unavailable or do not agree on the potential impact of this missense change (SIFT: "Tolerated"; PolyPhen-2: "Not Available"; Align-GVGD: "Class C0"). This variant has not been reported in the literature in individuals affected with MICU1-related conditions. This variant is not present in population databases (gnomAD no frequency). This sequence change replaces glutamine, which is neutral and polar, with proline, which is neutral and non-polar, at codon 467 of the MICU1 protein (p.Gln467Pro).

NM_001195518.2(MICU1):c.1394A>C (p.Gln465Pro)

Gene: MICU1 (mitochondrial calcium uptake 1; minus strand). Cytogenetic location: 10q22.1.
Variant type: single nucleotide variant.
Coding change: c.1394A>C on transcript NM_001195518.2 (MANE Select); coding-DNA position 1394, A replaced by C.
Protein change: p.Gln465Pro; replaces glutamine 465 with proline.
Molecular consequence: missense variant.
Genome position (GRCh38, 1-based): chr10:72,368,232, T>G on the plus strand (A>C on the coding strand, the complement: MICU1 is on the minus strand). VCF-style: chr10-72368232-T-G. GRCh37 (hg19) VCF-style: chr10-74127990-T-G.
Other names: c.800A>C, p.Gln267Pro (NM_001195519.2); c.1412A>C, p.Gln471Pro (NM_001363513.2); c.1400A>C, p.Gln467Pro (NM_006077.4); short protein forms Q465P, Q467P, Q267P, Q471P.
Identifiers: ClinVar variation 2061478 (VCV002061478.4), dbSNP rs758532096, ClinGen allele CA377179529.